The following is an entry in ClinVar:

ClinVar aggregate classification (germline): Uncertain significance (1 of 4 stars; one submission).

Conditions:
Mucopolysaccharidosis, MPS-II (MPS2). Also called: Attenuated MPS (subtype; formerly known as mild MPS II); Severe MPS II; I2S deficiency; MPS 2; Hunter Syndrome; IDURONATE 2-SULFATASE DEFICIENCY. Identifiers: Orphanet 580, Orphanet 79388, MedGen C0026705, MONDO:0010674, OMIM 309900.

Submission:

Labcorp Genetics (formerly Invitae), Labcorp
Classification: Uncertain significance for Mucopolysaccharidosis, MPS-II. Last evaluated: 2024-01-08. Review status: criteria provided, single submitter. Criteria: Invitae Variant Classification Sherloc (09022015). Collection method: clinical testing. Allele origin: germline.
Comment: This variant results in a copy number gain of the genomic region encompassing exon(s) 9 of the IDS gene. This region includes the termination codon of the gene. This copy number gain extends beyond the assayed region for this gene and therefore may encompass additional genes. As the precise location of this event is unknown, it may be in tandem or it may be located elsewhere in the genome. This variant has not been reported in the literature in individuals affected with IDS-related conditions. Experimental studies and prediction algorithms are not available or were not evaluated, and the functional significance of this variant is currently unknown. In summary, the available evidence is currently insufficient to determine the role of this variant in disease. Therefore, it has been classified as a Variant of Uncertain Significance.

NC_000023.10:g.(?_148564277)_(148564769_?)dup

Gene: IDS (iduronate 2-sulfatase; minus strand). Cytogenetic location: Xq28.
Variant type: Duplication.
Identifiers: ClinVar variation 2422579 (VCV002422579.4).